The following is an entry in ClinVar:

NM_001852.4(COL9A2):c.1474C>A (p.Pro492Thr)

Gene: COL9A2 (collagen type IX alpha 2 chain; minus strand). Cytogenetic location: 1p34.2.
Variant type: single nucleotide variant.
Coding change: c.1474C>A on transcript NM_001852.4 (MANE Select); coding-DNA position 1474, C replaced by A.
Protein change: p.Pro492Thr; replaces proline 492 with threonine.
Molecular consequence: missense variant.
Genome position (GRCh38, 1-based): chr1:40,303,604, G>T on the plus strand (C>A on the coding strand, the complement: COL9A2 is on the minus strand). VCF-style: chr1-40303604-G-T. GRCh37 (hg19) VCF-style: chr1-40769276-G-T.
Other names: short protein forms P492T.
Identifiers: ClinVar variation 875262 (VCV000875262.11), dbSNP rs1444649342, ClinGen allele CA339878365.

ClinVar aggregate classification (germline): Uncertain significance. Review status: criteria provided, multiple submitters, no conflicts (2 of 4 stars). 5 submissions from 5 submitters: Uncertain significance (5). Last evaluated 2025-11-13.

Conditions:
Inborn genetic diseases. Identifiers: MedGen C0950123, MeSH D030342.
Epiphyseal dysplasia, multiple, 2 (EDM2). Also called: COL9A2-Related Multiple Epiphyseal Dysplasia. Identifiers: MedGen C1838429, MONDO:0010844, OMIM 600204.

Allele frequency attached by ClinVar (database versions not stated): gnomAD exomes below 0.00001; TOPMed below 0.00001; gnomAD 0.00001.
gnomAD v4.1: 13 of 1,606,274 alleles (0.00081%); highest among the groups gnomAD compares: Non-Finnish European, 0.0011%; no homozygotes.

Submissions (5):

Labcorp Genetics (formerly Invitae), Labcorp
Classification: Uncertain significance. Last evaluated: 2025-11-13. Review status: criteria provided, single submitter. Criteria: Invitae Variant Classification Sherloc (09022015). Collection method: clinical testing. Allele origin: germline.
Comment: This sequence change replaces proline, which is neutral and non-polar, with threonine, which is neutral and polar, at codon 492 of the COL9A2 protein (p.Pro492Thr). This variant is present in population databases (no rsID available, gnomAD 0.001%). This variant has not been reported in the literature in individuals affected with COL9A2-related conditions. ClinVar contains an entry for this variant (Variation ID: 875262). Invitae Evidence Modeling of protein sequence and biophysical properties (such as structural, functional, and spatial information, amino acid conservation, physicochemical variation, residue mobility, and thermodynamic stability) indicates that this missense variant is not expected to disrupt COL9A2 protein function with a negative predictive value of 95%. In summary, the available evidence is currently insufficient to determine the role of this variant in disease. Therefore, it has been classified as a Variant of Uncertain Significance.

Blueprint Genetics
Classification: Uncertain significance. Last evaluated: 2024-07-24. Review status: criteria provided, single submitter. Criteria: ACMG Guidelines, 2015. Collection method: clinical testing. Allele origin: germline.

GeneDx
Classification: Uncertain significance. Last evaluated: 2024-02-21. Review status: criteria provided, single submitter. Criteria: GeneDx Variant Classification Process June 2021. Collection method: clinical testing. Allele origin: germline. Affected: yes.
Comment: Has not been previously published as pathogenic or benign to our knowledge; Not observed at significant frequency in large population cohorts (gnomAD); In silico analysis supports that this missense variant does not alter protein structure/function

Ambry Genetics
Classification: Uncertain significance for Inborn genetic diseases. Last evaluated: 2022-12-06. Review status: criteria provided, single submitter. Criteria: Ambry Variant Classification Scheme 2023. Collection method: clinical testing. Allele origin: germline.

Illumina Laboratory Services, Illumina
Classification: Uncertain significance for Epiphyseal dysplasia, multiple, 2. Last evaluated: 2017-04-27. Review status: criteria provided, single submitter. Criteria: ICSL Variant Classification Criteria 13 December 2019. Collection method: clinical testing. Allele origin: germline.